The following is an entry in ClinVar:

NM_001267550.2(TTN):c.3101-1G>A

Gene: TTN (titin; minus strand). Cytogenetic location: 2q31.2.
Variant type: single nucleotide variant.
Coding change: c.3101-1G>A on transcript NM_001267550.2 (MANE Select); the canonical splice acceptor site of the intron before coding-DNA position 3101, G replaced by A.
Molecular consequence: splice acceptor variant.
Genome position (GRCh38, 1-based): chr2:178,782,603, C>T on the plus strand (G>A on the coding strand, the complement: TTN is on the minus strand). VCF-style: chr2-178782603-C-T. GRCh37 (hg19) VCF-style: chr2-179647330-C-T.
Other names: c.2963-1G>A (NM_003319.4, NM_133437.4, NM_133432.3); c.3101-1G>A (NM_133378.4, NM_001256850.1, NM_133379.5).
Identifiers: ClinVar variation 1374953 (VCV001374953.6), dbSNP rs2092877322, ClinGen allele CA349489205.
Genomic context (GRCh38, chr2:178,782,603, plus strand): 5'-TCTCTTCTGTAGTAAATTTCTCAGTCACGGCTGTGGTTTCCTTTTCAAATTCTTCTGACA[C>T]TAAAAGAAGACAAAAGTTTCTCATTGAGATGAGATGTTTAGTGACCCCTGCTTAGCACTG-3'

ClinVar aggregate classification (germline): Likely pathogenic (1 of 4 stars; one submission).

Conditions:
Dilated cardiomyopathy 1G (CMD1G). Identifiers: Orphanet 154, MedGen C1858763, MONDO:0011400, OMIM 604145.
Autosomal recessive limb-girdle muscular dystrophy type 2J (LGMDR10). Also called: MUSCULAR DYSTROPHY, LIMB-GIRDLE, AUTOSOMAL RECESSIVE 10; Limb-girdle muscular dystrophy, type 2J. Identifiers: Orphanet 140922, MedGen C1837342, MONDO:0012127, OMIM 608807.

Allele frequency attached by ClinVar (database versions not stated): gnomAD exomes below 0.00001.
gnomAD v4.1: 2 of 1,613,834 alleles (0.00012%); highest among the groups gnomAD compares: East Asian, 0.0045%; no homozygotes.

Submission:

Labcorp Genetics (formerly Invitae), Labcorp
Classification: Likely pathogenic for Dilated cardiomyopathy 1G; Autosomal recessive limb-girdle muscular dystrophy type 2J. Last evaluated: 2024-11-04. Review status: criteria provided, single submitter. Criteria: Invitae Variant Classification Sherloc (09022015). Collection method: clinical testing. Allele origin: germline.
Comment: This sequence change affects an acceptor splice site in intron 18 of the TTN gene. It is expected to disrupt RNA splicing and likely results in a truncated or disrupted TTN protein. This variant is not present in population databases (gnomAD no frequency). This variant has not been reported in the literature in individuals affected with TTN-related conditions. ClinVar contains an entry for this variant (Variation ID: 1374953). Algorithms developed to predict the effect of sequence changes on RNA splicing suggest that this variant may disrupt the consensus splice site. This variant is located in the Z band of TTN (PMID: 25589632). Truncating variants in this region have been reported in individuals affected with autosomal recessive centronuclear myopathy (PMID: 33449170, internal data). Truncating variants in this region have also been identified in individuals affected with autosomal dominant dilated cardiomyopathy and/or cardio-related conditions (PMID: 27869827, 32964742, internal data). In summary, the currently available evidence indicates that the variant is pathogenic, but additional data are needed to prove that conclusively. Therefore, this variant has been classified as Likely Pathogenic.

Literature cited by the submitters: PubMed 25589632; PubMed 33449170; PubMed 27869827; PubMed 32964742.